The following is an entry in ClinVar:

NM_004991.4(MECOM):c.2733G>T (p.Glu911Asp)

Gene: MECOM (MDS1 and EVI1 complex locus; minus strand). Cytogenetic location: 3q26.2.
Variant type: single nucleotide variant.
Coding change: c.2733G>T on transcript NM_004991.4 (MANE Select); coding-DNA position 2733, G replaced by T.
Protein change: p.Glu911Asp; replaces glutamic acid 911 with aspartic acid.
Molecular consequence: missense variant.
Genome position (GRCh38, 1-based): chr3:169,102,098, C>A on the plus strand (G>T on the coding strand, the complement: MECOM is on the minus strand). VCF-style: chr3-169102098-C-A. GRCh37 (hg19) VCF-style: chr3-168819886-C-A.
Other names: c.2364G>T, p.Glu788Asp (NM_001105077.4); c.2169G>T, p.Glu723Asp (NM_001105078.4, NM_001205194.2, NM_001366469.2 and 1 more transcripts); c.2145G>T, p.Glu715Asp (NM_001163999.2, NM_001366470.2); c.2142G>T, p.Glu714Asp (NM_001164000.2, NM_001366471.2, NM_001366472.2); c.2706G>T, p.Glu902Asp (NM_001366466.2); c.2172G>T, p.Glu724Asp (NM_001366467.2, NM_001366468.2); c.1734G>T, p.Glu578Asp (NM_001366473.2); c.1170G>T, p.Glu390Asp (NM_001366474.2); short protein forms E714D, E715D, E390D, E723D, E788D, E902D, E578D, E724D.
Identifiers: ClinVar variation 4842760 (VCV004842760.1).

ClinVar aggregate classification (germline): Uncertain significance (1 of 4 stars; one submission).

Conditions:
Inborn genetic diseases. Identifiers: MedGen C0950123, MeSH D030342.

Submission:

Ambry Genetics
Classification: Uncertain significance for Inborn genetic diseases. Last evaluated: 2025-12-27. Review status: criteria provided, single submitter. Criteria: Ambry Variant Classification Scheme 2023. Collection method: clinical testing. Allele origin: germline.
Comment: The p.E911D variant (also known as c.2733G>T), located in coding exon 11 of the MECOM gene, results from a G to T substitution at nucleotide position 2733. The glutamic acid at codon 911 is replaced by aspartic acid, an amino acid with highly similar properties. This amino acid position is conserved. In addition, this alteration is predicted to be tolerated by in silico analysis. Based on the available evidence, the clinical significance of this variant remains unclear.